The following continues an entry in ClinVar:

NM_007194.4(CHEK2):c.1567C>T (p.Arg523Cys)

Gene: CHEK2. ClinVar aggregate classification (germline): Conflicting classifications of pathogenicity. Uncertain significance (11); Likely benign (2).

Submissions 11 to 14 of 14:

Women's Health and Genetics/Laboratory Corporation of America, LabCorp
Classification: Uncertain significance. Last evaluated: 2023-05-23. Review status: criteria provided, single submitter. Criteria: LabCorp Variant Classification Summary - May 2015. Collection method: clinical testing. Allele origin: germline.
Comment: Variant summary: CHEK2 c.1567C>T (p.Arg523Cys) results in a non-conservative amino acid change in the encoded protein sequence. Four of five in-silico tools predict a benign effect of the variant on protein function. The variant allele was found at a frequency of 3.4e-05 in 233364 control chromosomes (gnomAD). The available data on variant occurrences in the general population are insufficient to allow any conclusion about variant significance. c.1567C>T has been reported in the literature in individuals affected with breast cancer and other tumor phenotypes (Yurgelun_2015, Rummel_2017, Momozawa_2018, Vargas-Parra_2020, Dorling_2021), however the variant was also reported in controls (e.g. Dorling_2021 and in the FLOSSIES database). In addition, in one of the reported cases a co-occurrence with another pathogenic variant has been reported (BRCA2 c.7007G>A, p.Arg2336His; Rummel_2017), providing supporting evidence for a benign role. At least one publication reported experimental evidence evaluating an impact on protein function, demonstrating in a yeast based DNA-damage assay that the variant showed similar function to the wild type (Delimitsou_2019). The following publications have been ascertained in the context of this evaluation (PMID: 30851065, 30287823, 28503720, 32906215, 25980754, 33471991). Seven clinical diagnostic laboratories have submitted clinical-significance assessments for this variant to ClinVar after 2014, partly without evidence for independent evaluation. All laboratories classified the variant as uncertain significance. Based on the evidence outlined above, the variant was classified as VUS-possibly benign.

Sema4
Classification: Uncertain significance for Hereditary cancer-predisposing syndrome. Last evaluated: 2022-02-27. Review status: criteria provided, single submitter. Criteria: Sema4 Curation Guidelines. Collection method: curation. Allele origin: germline.
Comment: The CHEK2 c.1567C>T (p.R523C) variant has been reported in heterozygosity in at least three individuals with breast cancer and at least one individual with Lynch syndrome-associated cancer and/or polyps (PMID: 25980754, 28503720, 30287823, 30851065, 33471991). One of the breast cancer patient also carried a pathogenic BRCA2 variant (PMID: 28503720). This variant was observed in 2/23334 chromosomes in the African/African American population according to the Genome Aggregation Database (PMID: 32461654). The variant has been reported in ClinVar (Variation ID: 141007). In silico predictions of the variant's effect on protein function are inconclusive and an in vivo, yeast based functional study demonstrated the normal function of the protein (PMID: 30851065). The evidence is insufficient to meet ACMG/AMP criteria for classifying the variant as benign or pathogenic. Thus, the clinical significance of this variant is currently uncertain.

Mendelics
Classification: Uncertain significance for Familial cancer of breast. Last evaluated: 2019-05-28. Review status: criteria provided, single submitter. Criteria: Mendelics Assertion Criteria 2017. Collection method: clinical testing. Allele origin: unknown.

Counsyl
Classification: Uncertain significance for Familial cancer of breast. Last evaluated: 2017-04-05. Review status: no assertion criteria provided. Collection method: clinical testing. Allele origin: unknown. Not counted in ClinVar's aggregate classification.

Literature cited by the submitters: PubMed 25980754 (cited by 5 submitters); PubMed 28503720 (cited by 6 submitters); PubMed 30287823 (cited by 6 submitters); PubMed 32832836 (cited by 3 submitters); PubMed 30851065 (cited by 6 submitters); PubMed 37449874 (cited by 3 submitters); PubMed 25085752 (cited by Myriad Genetics, Inc.); PubMed 32906215 (cited by 4 submitters); PubMed 33471991 (cited by 5 submitters); PubMed 39146382 (cited by Ambry Genetics); PubMed 39642869 (cited by Ambry Genetics); PubMed 31874108 (cited by Quest Diagnostics Nichols Institute San Juan Capistrano); PubMed 37031196 (cited by Quest Diagnostics Nichols Institute San Juan Capistrano); PubMed 24123366 (cited by Quest Diagnostics Nichols Institute San Juan Capistrano); PubMed 35643632 (cited by Quest Diagnostics Nichols Institute San Juan Capistrano); PubMed 28569743 (cited by Quest Diagnostics Nichols Institute San Juan Capistrano).